The following is an entry in ClinVar:

ClinVar aggregate classification (germline): Uncertain significance (1 of 4 stars; one submission).

gnomAD v4.1: 1 of 1,614,148 alleles (0.000062%); highest among the groups gnomAD compares: Non-Finnish European, 0.000085%; no homozygotes.

Submission:

Labcorp Genetics (formerly Invitae), Labcorp
Classification: Uncertain significance. Last evaluated: 2022-10-13. Review status: criteria provided, single submitter. Criteria: Invitae Variant Classification Sherloc (09022015). Collection method: clinical testing. Allele origin: germline.
Comment: This variant has not been reported in the literature in individuals affected with CDHR1-related conditions. This variant is not present in population databases (gnomAD no frequency). This sequence change replaces proline, which is neutral and non-polar, with histidine, which is basic and polar, at codon 372 of the CDHR1 protein (p.Pro372His). Advanced modeling of protein sequence and biophysical properties (such as structural, functional, and spatial information, amino acid conservation, physicochemical variation, residue mobility, and thermodynamic stability) performed at Invitae indicates that this missense variant is not expected to disrupt CDHR1 protein function. In summary, the available evidence is currently insufficient to determine the role of this variant in disease. Therefore, it has been classified as a Variant of Uncertain Significance.

NM_033100.4(CDHR1):c.1115C>A (p.Pro372His)

Gene: CDHR1 (cadherin related family member 1; plus strand). Cytogenetic location: 10q23.1.
Variant type: single nucleotide variant.
Coding change: c.1115C>A on transcript NM_033100.4 (MANE Select); coding-DNA position 1115, C replaced by A.
Protein change: p.Pro372His; replaces proline 372 with histidine.
Molecular consequence: missense variant.
Genome position (GRCh38, 1-based): chr10:84,208,325, C>A. VCF-style: chr10-84208325-C-A. GRCh37 (hg19) VCF-style: chr10-85968081-C-A.
Other names: c.1115C>A, p.Pro372His (NM_001171971.3); short protein forms P372H.
Identifiers: ClinVar variation 2101946 (VCV002101946.4), dbSNP rs1218149461, ClinGen allele CA377374877.